The following is an entry in ClinVar:

ClinVar aggregate classification (germline): Uncertain significance (1 of 4 stars; one submission).

Conditions:
Congenital sideroblastic anemia-B-cell immunodeficiency-periodic fever-developmental delay syndrome. Also called: Sideroblastic anemia with B-cell immunodeficiency, periodic fevers, and developmental delay. Identifiers: Orphanet 369861, MedGen C4015172, MONDO:0014487, OMIM 616084.

Submission:

Labcorp Genetics (formerly Invitae), Labcorp
Classification: Uncertain significance for Congenital sideroblastic anemia-B-cell immunodeficiency-periodic fever-developmental delay syndrome. Last evaluated: 2021-10-13. Review status: criteria provided, single submitter. Criteria: Invitae Variant Classification Sherloc (09022015). Collection method: clinical testing. Allele origin: germline.
Comment: Algorithms developed to predict the effect of missense changes on protein structure and function (SIFT, PolyPhen-2, Align-GVGD) all suggest that this variant is likely to be tolerated. In summary, the available evidence is currently insufficient to determine the role of this variant in disease. Therefore, it has been classified as a Variant of Uncertain Significance. This variant is not present in population databases (ExAC no frequency). This variant has not been reported in the literature in individuals affected with TRNT1-related conditions. This sequence change replaces lysine with arginine at codon 416 of the TRNT1 protein (p.Lys416Arg). The lysine residue is highly conserved and there is a small physicochemical difference between lysine and arginine.

NM_182916.3(TRNT1):c.1247A>G (p.Lys416Arg)

Gene: TRNT1 (tRNA nucleotidyl transferase 1; plus strand). Cytogenetic location: 3p26.2.
Variant type: single nucleotide variant.
Coding change: c.1247A>G on transcript NM_182916.3 (MANE Select); coding-DNA position 1247, A replaced by G.
Protein change: p.Lys416Arg; replaces lysine 416 with arginine.
Molecular consequence: missense variant. On other transcripts: non-coding transcript variant (8).
Genome position (GRCh38, 1-based): chr3:3,148,096, A>G. VCF-style: chr3-3148096-A-G. GRCh37 (hg19) VCF-style: chr3-3189780-A-G.
Other names: c.1187A>G, p.Lys396Arg (NM_001302946.2); c.1247A>G, p.Lys416Arg (NM_001367321.1, NM_001367322.1, NM_001367323.1); short protein forms K396R, K416R.
Identifiers: ClinVar variation 1409932 (VCV001409932.6), dbSNP rs2126038415, ClinGen allele CA351449118.